The following is an entry in ClinVar:

ClinVar aggregate classification (germline): Likely pathogenic (1 of 4 stars; one submission).

Conditions:
Cardiovascular phenotype. Identifiers: MedGen CN230736.

Submission:

Ambry Genetics
Classification: Likely pathogenic for Cardiovascular phenotype. Last evaluated: 2026-07-06. Review status: criteria provided, single submitter. Criteria: Ambry Variant Classification Scheme 2023. Collection method: clinical testing. Allele origin: germline.
Comment: The c.1263+1G>C intronic variant results from a G to C substitution one nucleotide after coding exon 7 of the CYP27A1 gene. This variant is considered to be rare based on population cohorts in the Genome Aggregation Database (gnomAD). This nucleotide position is highly conserved in available vertebrate species. In silico splice site analysis predicts that this alteration will weaken the native splice donor site. Variants that disrupt the canonical splice site are expected to cause aberrant splicing, resulting in an abnormal protein or a transcript that is subject to nonsense-mediated mRNA decay. As such, this variant is classified as likely pathogenic.

NM_000784.4(CYP27A1):c.1263+1G>C

Gene: CYP27A1 (cytochrome P450 family 27 subfamily A member 1; plus strand). Cytogenetic location: 2q35.
Variant type: single nucleotide variant.
Coding change: c.1263+1G>C on transcript NM_000784.4 (MANE Select); the canonical splice donor site of the intron after coding-DNA position 1263, G replaced by C.
Molecular consequence: splice donor variant.
Genome position (GRCh38, 1-based): chr2:218,814,459, G>C. VCF-style: chr2-218814459-G-C. GRCh37 (hg19) VCF-style: chr2-219679182-G-C.
Identifiers: ClinVar variation 5035097 (VCV005035097.1).